The following is an entry in ClinVar:

NC_000017.10:g.(?_61994562)_(61996200_?)dup

Gene: GH1 (growth hormone 1; minus strand). Cytogenetic location: 17q23.3.
Variant type: Duplication.
Identifiers: ClinVar variation 3068888 (VCV003068888.1).

ClinVar aggregate classification (germline): Likely benign (1 of 4 stars; one submission).

Submission:

Women's Health and Genetics/Laboratory Corporation of America, LabCorp
Classification: Likely benign. Last evaluated: 2024-02-26. Review status: criteria provided, single submitter. Criteria: LabCorp Variant Classification Summary - May 2015. Collection method: clinical testing. Allele origin: germline.
Comment: Variant summary: The variant involves the duplication of exons 1-5 in the GH1 gene. A presumed nomenclature of c.(?_-64)_(*107_?)dup has been designated for the purposes of this classification. This duplication includes the entire coding sequence of the gene. As exact breakpoints are unknown, it may extend beyond the annotated region of the gene, to include other flanking genes. It is assumed to be a tandem duplication in direct orientation (PMIDs: 25640679, 30054569). A large duplication variant (size: 7,597 bp) encompassing the GH1 gene was found at a frequency of 0.00036 in 123282 control chromosomes in the gnomAD database (Structural Variants v4.0 dataset), including 3 homozygotes. In addition, another overlapping duplication variant (size: 7,333 bp) containing the GH1 gene was also found at a frequency of 0.00038, including 2 homozygotes. The observed variant frequency is approximately 5-fold of the estimated maximal expected allele frequency for a pathogenic variant in GH1 causing Idiopathic Growth Hormone Deficiency phenotype (6.3e-05), strongly suggesting that the variant is benign; although potential risk associations with other phenotypes cannot be excluded based on these data. To our knowledge, no occurrence of c.(?_-64)_(*107_?)dup in individuals affected with Idiopathic Growth Hormone Deficiency and no experimental evidence demonstrating its impact on protein function have been reported. ClinVar contains an entry for this variant (Variation ID: 2423183). Based on the evidence outlined above, the variant was classified as likely benign.